The following is an entry in ClinVar:

NM_001367721.1(CASK):c.1806+17dup

Gene: CASK (calcium/calmodulin dependent serine protein kinase; minus strand). Cytogenetic location: Xp11.4.
Variant type: Duplication.
Coding change: c.1806+17dup on transcript NM_001367721.1 (MANE Select); 17 bases into the intron after coding-DNA position 1806, one base duplicated (C; older notation c.1806+17dupC).
Molecular consequence: intron variant.
Genome position (GRCh38, 1-based): chrX:41,557,015, G duplicated on the plus strand (C on the coding strand, the reverse complement: CASK is on the minus strand); the first of 2 consecutive G bases (chrX:41,557,015-41,557,016); duplicating either gives the same sequence. VCF-style (leftmost placement, unchanged base first): chrX-41557014-T-TG. GRCh37 (hg19) VCF-style: chrX-41416267-T-TG.
Other names: c.1806+17dupC (NM_003688.3); c.1720-1380dup (NM_001126055.3); c.1788+17dup (NM_001410745.1); c.1738-1380dup (NM_001126054.3); c.1806+17dup (NM_003688.4).
Identifiers: ClinVar variation 2041297 (VCV002041297.5), dbSNP rs1454251275, ClinGen allele CA641573539.

ClinVar aggregate classification (germline): Likely benign. Review status: criteria provided, multiple submitters, no conflicts (2 of 4 stars). 2 submissions from 2 submitters: Likely benign (2). Last evaluated 2026-01-24.

Conditions:
Intellectual disability, CASK-related, X-linked. Identifiers: MedGen CN043158.

Submissions (2):

Labcorp Genetics (formerly Invitae), Labcorp
Classification: Likely benign for Intellectual disability, CASK-related, X-linked. Last evaluated: 2026-01-24. Review status: criteria provided, single submitter. Criteria: Invitae Variant Classification Sherloc (09022015). Collection method: clinical testing. Allele origin: germline.

Women's Health and Genetics/Laboratory Corporation of America, LabCorp
Classification: Likely benign. Last evaluated: 2023-12-13. Review status: criteria provided, single submitter. Criteria: LabCorp Variant Classification Summary - May 2015. Collection method: clinical testing. Allele origin: germline.
Comment: Variant summary: CASK c.1806+17dupC alters a conserved nucleotide located at a position not widely known to affect splicing. Consensus agreement among computation tools predict no significant impact on normal splicing. However, these predictions have yet to be confirmed by functional studies. The variant allele was found at a frequency of 1.1e-05 in 183004 control chromosomes. The available data on variant occurrences in the general population are insufficient to allow any conclusion about variant significance. To our knowledge, no occurrence of c.1806+17dupC in individuals affected with Syndromic X-Linked Intellectual Disability Najm Type and no experimental evidence demonstrating its impact on protein function have been reported. One submitter has cited clinical-significance assessments for this variant to ClinVar after 2014 and has classified the variant as likely benign. Based on the evidence outlined above, the variant was classified as likely benign.